The following is an entry in ClinVar:

ClinVar aggregate classification (germline): Uncertain significance (1 of 4 stars; one submission).

Conditions:
Hereditary cancer-predisposing syndrome. Also called: Neoplastic Syndromes, Hereditary; Hereditary Cancer Syndrome; Tumor predisposition; Hereditary neoplastic syndrome. Identifiers: Orphanet 140162, MedGen C0027672, MeSH D009386, MONDO:0015356.

Submission:

Ambry Genetics
Classification: Uncertain significance for Hereditary cancer-predisposing syndrome. Last evaluated: 2022-12-05. Review status: criteria provided, single submitter. Criteria: Ambry Variant Classification Scheme 2023. Collection method: clinical testing. Allele origin: germline.
Comment: The p.A259P variant (also known as c.775G>C), located in coding exon 5 of the CTNNA1 gene, results from a G to C substitution at nucleotide position 775. The alanine at codon 259 is replaced by proline, an amino acid with highly similar properties. This amino acid position is conserved. In addition, this alteration is predicted to be deleterious by in silico analysis. Since supporting evidence is limited at this time, the clinical significance of this alteration remains unclear.

NM_001903.5(CTNNA1):c.775G>C (p.Ala259Pro)

Gene: CTNNA1 (catenin alpha 1; plus strand). Cytogenetic location: 5q31.2.
Variant type: single nucleotide variant.
Coding change: c.775G>C on transcript NM_001903.5 (MANE Select); coding-DNA position 775, G replaced by C.
Protein change: p.Ala259Pro; replaces alanine 259 with proline.
Molecular consequence: missense variant.
Genome position (GRCh38, 1-based): chr5:138,824,716, G>C. VCF-style: chr5-138824716-G-C. GRCh37 (hg19) VCF-style: chr5-138160405-G-C.
Other names: c.775G>C, p.Ala259Pro (NM_001290307.3, NM_001323982.2, NM_001323983.1 and 3 more transcripts); c.466G>C, p.Ala156Pro (NM_001290309.3); c.406G>C, p.Ala136Pro (NM_001290310.3); short protein forms A156P, A259P, A136P.
Identifiers: ClinVar variation 2448335 (VCV002448335.2), dbSNP rs2149776373, ClinGen allele CA361129981.